The following is an entry in ClinVar:

ClinVar aggregate classification (germline): Uncertain significance (1 of 4 stars; one submission).

Conditions:
Hereditary diffuse gastric adenocarcinoma (HDGC). Also called: DIFFUSE GASTRIC AND LOBULAR BREAST CANCER SYNDROME. Identifiers: Orphanet 26106, MedGen C1708349, MONDO:0007648, OMIM 137215.

Submission:

Labcorp Genetics (formerly Invitae), Labcorp
Classification: Uncertain significance for Hereditary diffuse gastric adenocarcinoma. Last evaluated: 2024-03-01. Review status: criteria provided, single submitter. Criteria: Invitae Variant Classification Sherloc (09022015). Collection method: clinical testing. Allele origin: germline.
Comment: This sequence change replaces arginine, which is basic and polar, with proline, which is neutral and non-polar, at codon 732 of the CDH1 protein (p.Arg732Pro). This variant is not present in population databases (gnomAD no frequency). This variant has not been reported in the literature in individuals affected with CDH1-related conditions. An algorithm developed to predict the effect of missense changes on protein structure and function (PolyPhen-2) suggests that this variant is likely to be disruptive. Algorithms developed to predict the effect of sequence changes on RNA splicing suggest that this variant may disrupt the consensus splice site. This variant disrupts the p.Arg732 amino acid residue in CDH1. Other variant(s) that disrupt this residue have been determined to be pathogenic (PMID: 15235021, 17545690, 18442100, 26072394, 29589180). This suggests that this residue is clinically significant, and that variants that disrupt this residue are likely to be disease-causing. In summary, the available evidence is currently insufficient to determine the role of this variant in disease. Therefore, it has been classified as a Variant of Uncertain Significance.

Literature cited by the submitters: PubMed 15235021; PubMed 17545690; PubMed 18442100; PubMed 26072394; PubMed 29589180.

NM_004360.5(CDH1):c.2195G>C (p.Arg732Pro)

Gene: CDH1 (cadherin 1; plus strand). Cytogenetic location: 16q22.1.
Variant type: single nucleotide variant.
Coding change: c.2195G>C on transcript NM_004360.5 (MANE Select); coding-DNA position 2195, G replaced by C.
Protein change: p.Arg732Pro; replaces arginine 732 with proline.
Molecular consequence: missense variant.
Genome position (GRCh38, 1-based): chr16:68,828,204, G>C. VCF-style: chr16-68828204-G-C. GRCh37 (hg19) VCF-style: chr16-68862107-G-C.
Other names: c.2012G>C, p.Arg671Pro (NM_001317184.2); c.647G>C, p.Arg216Pro (NM_001317185.2); c.230G>C, p.Arg77Pro (NM_001317186.2); short protein forms R732P, R671P, R216P, R77P.
Identifiers: ClinVar variation 3685356 (VCV003685356.2).
Genomic context (GRCh38, chr16:68,828,204, plus strand): 5'-ACACTTGCTCTGTCTCCCCCACCATCCCAGTTCTGATTCTGCTGCTCTTGCTGTTTCTTC[G>C]GAGGAGAGCGGTGGTCAAAGAGCCCTTACTGCCCCCAGAGGATGACACCCGGGACAACGT-3'
Protein context (NP_004351.1, residues 722-742): ILILLLLLFL[Arg732Pro]RRAVVKEPLL